The following is an entry in ClinVar:

NM_000016.6(ACADM):c.382T>G (p.Leu128Val)

Gene: ACADM (acyl-CoA dehydrogenase medium chain; plus strand). Cytogenetic location: 1p31.1.
Variant type: single nucleotide variant.
Coding change: c.382T>G on transcript NM_000016.6 (MANE Select); coding-DNA position 382, T replaced by G.
Protein change: p.Leu128Val; replaces leucine 128 with valine.
Molecular consequence: missense variant. On other transcripts: intron variant (1).
Genome position (GRCh38, 1-based): chr1:75,733,623, T>G. VCF-style: chr1-75733623-T-G. GRCh37 (hg19) VCF-style: chr1-76199308-T-G.
Other names: c.394T>G, p.Leu132Val (NM_001127328.3); c.481T>G, p.Leu161Val (NM_001286043.2); c.-100+701T>G (NM_001286044.2); c.274T>G, p.Leu92Val (NM_001286042.2); short protein forms L132V, L161V, L128V, L92V.
Identifiers: ClinVar variation 2708055 (VCV002708055.3), dbSNP rs764651997, ClinGen allele CA340812636.

ClinVar aggregate classification (germline): Uncertain significance (1 of 4 stars; one submission).

Conditions:
Medium-chain acyl-coenzyme A dehydrogenase deficiency (ACADMD). Also called: MCADH DEFICIENCY; MCADD; MCAD Deficiency; ACADM DEFICIENCY; CARNITINE DEFICIENCY SECONDARY TO MEDIUM-CHAIN ACYL-CoA DEHYDROGENASE DEFICIENCY; Medium chain acyl-CoA dehydrogenase deficiency. Identifiers: Orphanet 42, MedGen C0220710, MONDO:0008721, OMIM 201450.

Submission:

Labcorp Genetics (formerly Invitae), Labcorp
Classification: Uncertain significance for Medium-chain acyl-coenzyme A dehydrogenase deficiency. Last evaluated: 2024-01-07. Review status: criteria provided, single submitter. Criteria: Invitae Variant Classification Sherloc (09022015). Collection method: clinical testing. Allele origin: germline.
Comment: This sequence change replaces leucine, which is neutral and non-polar, with valine, which is neutral and non-polar, at codon 128 of the ACADM protein (p.Leu128Val). This variant is not present in population databases (gnomAD no frequency). This variant has not been reported in the literature in individuals affected with ACADM-related conditions. Advanced modeling of protein sequence and biophysical properties (such as structural, functional, and spatial information, amino acid conservation, physicochemical variation, residue mobility, and thermodynamic stability) performed at Invitae indicates that this missense variant is not expected to disrupt ACADM protein function with a negative predictive value of 80%. In summary, the available evidence is currently insufficient to determine the role of this variant in disease. Therefore, it has been classified as a Variant of Uncertain Significance.